The following is an entry in ClinVar:

ClinVar aggregate classification (germline): Benign. Review status: criteria provided, multiple submitters, no conflicts (2 of 4 stars). 12 submissions from 12 submitters: Benign (7). 5 of the submissions do not count toward it. Last evaluated 2026-02-04.

Conditions:
MAPT-Related Spectrum Disorders.
Frontotemporal dementia (FTD1). Also called: Frontotemporal Dementia with Parkinsonism-17 (FTDP-17); FRONTOTEMPORAL DEMENTIA WITH PARKINSONISM; FRONTOTEMPORAL LOBE DEMENTIA; MULTIPLE SYSTEM TAUOPATHY WITH PRESENILE DEMENTIA; Dementia, frontotemporal, with or without parkinsonism; WILHELMSEN-LYNCH DISEASE. Identifiers: Orphanet 282, MedGen C0338451, MONDO:0017276, OMIM 600274, HP:0002145.

Allele frequency attached by ClinVar (database versions not stated): 1000 Genomes Project 30x 0.08682; 1000 Genomes Project 0.08766; gnomAD 0.14385 and 0.14693; gnomAD exomes 0.14497 and 0.19429; ExAC 0.14594; TOPMed 0.15016; ESP Exome Variant Server 0.16539.
gnomAD v4.1: 304,987 of 1,613,412 alleles (19%); highest among the groups gnomAD compares: Non-Finnish European, 22%; 32,798 homozygotes.

Submissions (12):

Labcorp Genetics (formerly Invitae), Labcorp
Classification: Benign for Frontotemporal dementia. Last evaluated: 2026-02-04. Review status: criteria provided, single submitter. Criteria: Invitae Variant Classification Sherloc (09022015). Collection method: clinical testing. Allele origin: germline.

Mayo Clinic Laboratories, Mayo Clinic
Classification: Benign. Last evaluated: 2022-03-24. Review status: criteria provided, single submitter. Criteria: ACMG Guidelines, 2015. Collection method: clinical testing. Allele origin: germline. Observed: 357 variant alleles.

GeneDx
Classification: Benign. Last evaluated: 2018-08-11. Review status: criteria provided, single submitter. Criteria: GeneDx Variant Classification Process June 2021. Collection method: clinical testing. Allele origin: germline. Affected: yes.

Illumina Laboratory Services, Illumina
Classification: Benign for MAPT-Related Spectrum Disorders. Last evaluated: 2018-01-12. Review status: criteria provided, single submitter. Criteria: ICSL Variant Classification Criteria 13 December 2019. Collection method: clinical testing. Allele origin: germline.
Comment: This variant was observed in the ICSL laboratory as part of a predisposition screen in an ostensibly healthy population. It had not been previously curated by ICSL or reported in the Human Gene Mutation Database (HGMD: prior to June 1st, 2018), and was therefore a candidate for classification through an automated scoring system. Utilizing variant allele frequency, disease prevalence and penetrance estimates, and inheritance mode, an automated score was calculated to assess if this variant is too frequent to cause the disease. Based on the score and internal cut-off values, a variant classified as benign is not then subjected to further curation. The score for this variant resulted in a classification of benign for this disease.

Athena Diagnostics
Classification: Benign. Last evaluated: 2011-02-25. Review status: criteria provided, single submitter. Criteria: Athena Diagnostics Criteria. Collection method: clinical testing. Allele origin: germline.

Breakthrough Genomics
Classification: Benign. Review status: criteria provided, single submitter. Criteria: ACMG Guidelines, 2015. Collection method: not provided. Allele origin: germline. Inheritance: Autosomal recessive inheritance. Affected: yes.

PreventionGenetics, part of Exact Sciences
Classification: Benign. Review status: criteria provided, single submitter. Criteria: ACMG Guidelines, 2015. Collection method: clinical testing. Allele origin: germline.

Clinical Genetics DNA and cytogenetics Diagnostics Lab, Erasmus MC, Erasmus Medical Center
Classification: Benign. Review status: no assertion criteria provided. Collection method: clinical testing. Allele origin: germline. Affected: yes. Study: VKGL Data-share Consensus. Not counted in ClinVar's aggregate classification.

Clinical Genetics, Academic Medical Center
Classification: Benign. Review status: no assertion criteria provided. Collection method: clinical testing. Allele origin: germline. Affected: yes. Study: VKGL Data-share Consensus. Not counted in ClinVar's aggregate classification.

Genome Diagnostics Laboratory, Amsterdam University Medical Center
Classification: Benign. Review status: no assertion criteria provided. Collection method: clinical testing. Allele origin: germline. Affected: yes. Study: VKGL Data-share Consensus. Not counted in ClinVar's aggregate classification.

Joint Genome Diagnostic Labs from Nijmegen and Maastricht, Radboudumc and MUMC+
Classification: Benign. Review status: no assertion criteria provided. Collection method: clinical testing. Allele origin: germline. Affected: yes. Study: VKGL Data-share Consensus. Not counted in ClinVar's aggregate classification.

VIB  Department of Molecular Genetics, University of Antwerp
No classification provided. Review status: no classification provided. Collection method: not provided. Allele origin: not provided. Not counted in ClinVar's aggregate classification.

NM_001377265.1(MAPT):c.1941T>C (p.Asn647=)

Gene: MAPT (microtubule associated protein tau). Cytogenetic location: 17q21.31.
Variant type: single nucleotide variant.
Coding change: c.1941T>C on transcript NM_001377265.1 (MANE Select); coding-DNA position 1941, T replaced by C.
Protein change: p.Asn647=; no amino-acid change (asparagine 647 retained).
Molecular consequence: synonymous variant. On other transcripts: non-coding transcript variant (1).
Genome position (GRCh38, 1-based): chr17:45,996,607, T>C. VCF-style: chr17-45996607-T-C. GRCh37 (hg19) VCF-style: chr17-44073973-T-C.
Other names: p.Asn255=; c.1770T>C, p.Asn590= (NM_001123066.4); c.678T>C, p.Asn226= (NM_001123067.4, NM_001203251.2, NM_001377267.1); c.765T>C, p.Asn255= (NM_001203252.2, NM_005910.6); c.1743T>C, p.Asn581= (NM_001377266.1); c.591T>C, p.Asn197= (NM_001377268.1, NM_016834.5, NM_016841.5); c.1716T>C, p.Asn572= (NM_016835.5).
Identifiers: ClinVar variation 98209 (VCV000098209.23), dbSNP rs17652121, ClinGen allele CA225411.